The following is an entry in ClinVar:

ClinVar aggregate classification (germline): Uncertain significance. Review status: criteria provided, multiple submitters, no conflicts (2 of 4 stars). 2 submissions from 2 submitters: Uncertain significance (2). Last evaluated 2023-06-26.

Conditions:
Inborn genetic diseases. Identifiers: MedGen C0950123, MeSH D030342.

gnomAD v4.1: 5 of 1,613,680 alleles (0.00031%); highest among the groups gnomAD compares: Non-Finnish European, 0.00042%; no homozygotes.

Submissions (2):

Ambry Genetics
Classification: Uncertain significance for Inborn genetic diseases. Last evaluated: 2023-06-26. Review status: criteria provided, single submitter. Criteria: Ambry Variant Classification Scheme 2023. Collection method: clinical testing. Allele origin: germline.

Labcorp Genetics (formerly Invitae), Labcorp
Classification: Uncertain significance. Last evaluated: 2022-10-13. Review status: criteria provided, single submitter. Criteria: Invitae Variant Classification Sherloc (09022015). Collection method: clinical testing. Allele origin: germline.
Comment: This sequence change replaces aspartic acid, which is acidic and polar, with asparagine, which is neutral and polar, at codon 181 of the PCDH15 protein (p.Asp181Asn). This variant is not present in population databases (gnomAD no frequency). This variant has not been reported in the literature in individuals affected with PCDH15-related conditions. Advanced modeling of protein sequence and biophysical properties (such as structural, functional, and spatial information, amino acid conservation, physicochemical variation, residue mobility, and thermodynamic stability) has been performed at Invitae for this missense variant, however the output from this modeling did not meet the statistical confidence thresholds required to predict the impact of this variant on PCDH15 protein function. In summary, the available evidence is currently insufficient to determine the role of this variant in disease. Therefore, it has been classified as a Variant of Uncertain Significance.

NM_001384140.1(PCDH15):c.541G>A (p.Asp181Asn)

Gene: PCDH15 (protocadherin related 15; minus strand). Cytogenetic location: 10q21.1.
Variant type: single nucleotide variant.
Coding change: c.541G>A on transcript NM_001384140.1 (MANE Select); coding-DNA position 541, G replaced by A.
Protein change: p.Asp181Asn; replaces aspartic acid 181 with asparagine.
Molecular consequence: missense variant.
Genome position (GRCh38, 1-based): chr10:54,346,418, C>T on the plus strand (G>A on the coding strand, the complement: PCDH15 is on the minus strand). VCF-style: chr10-54346418-C-T. GRCh37 (hg19) VCF-style: chr10-56106178-C-T.
Other names: c.556G>A, p.Asp186Asn (NM_001142763.2, NM_001142769.4, NM_001142771.2); c.541G>A, p.Asp181Asn (NM_001142764.2, NM_001142765.2, NM_001142766.2 and 8 more transcripts); c.475G>A, p.Asp159Asn (NM_001142768.2, NM_001142773.2, NM_001354404.2); short protein forms D186N, D181N, D159N.
Identifiers: ClinVar variation 1999051 (VCV001999051.3), dbSNP rs2134176136, ClinGen allele CA376541700.